The following is an entry in ClinVar:

ClinVar aggregate classification (germline): Pathogenic (1 of 4 stars; one submission).

Conditions:
Myofibrillar myopathy 5. Also called: Filaminopathy (type); FILAMINOPATHY, AUTOSOMAL DOMINANT. Identifiers: Orphanet 171445, MedGen C1836050, MONDO:0012289, OMIM 609524.
Distal myopathy with posterior leg and anterior hand involvement. Also called: WILLIAMS DISTAL MYOPATHY. Identifiers: Orphanet 63273, MedGen C3279722, MONDO:0013550, OMIM 614065.
Hypertrophic cardiomyopathy 26. Also called: Cardiomyopathy, familial hypertrophic, 26. Identifiers: Orphanet 75249, MedGen C4310749, MONDO:0014883, OMIM 617047.

Submission:

Labcorp Genetics (formerly Invitae), Labcorp
Classification: Pathogenic for Distal myopathy with posterior leg and anterior hand involvement; Myofibrillar myopathy 5; Hypertrophic cardiomyopathy 26. Last evaluated: 2023-12-14. Review status: criteria provided, single submitter. Criteria: Invitae Variant Classification Sherloc (09022015). Collection method: clinical testing. Allele origin: germline.
Comment: This sequence change creates a premature translational stop signal (p.Gln1315Argfs*30) in the FLNC gene. It is expected to result in an absent or disrupted protein product. Loss-of-function variants in FLNC are known to be pathogenic (PMID: 27908349). This variant is not present in population databases (gnomAD no frequency). This variant has not been reported in the literature in individuals affected with FLNC-related conditions. Algorithms developed to predict the effect of sequence changes on RNA splicing suggest that this variant may disrupt the consensus splice site. For these reasons, this variant has been classified as Pathogenic.

Literature cited by the submitters: PubMed 27908349.

NM_001458.5(FLNC):c.3944del (p.Gln1315fs)

Gene: FLNC (filamin C; plus strand). Cytogenetic location: 7q32.1.
Variant type: Deletion.
Coding change: c.3944del on transcript NM_001458.5 (MANE Select); coding-DNA position 3944, one base deleted (A; older notation c.3944delA).
Protein change: p.Gln1315fs; shifts the reading frame from glutamine 1315.
Molecular consequence: frameshift variant.
Genome position (GRCh38, 1-based): chr7:128,846,143, A deleted. VCF-style (leftmost placement, unchanged base first): chr7-128846142-CA-C. GRCh37 (hg19) VCF-style: chr7-128486196-CA-C.
Other names: c.3944del, p.Gln1315fs (NM_001127487.2); short protein forms Q1315fs.
Identifiers: ClinVar variation 2935873 (VCV002935873.3), dbSNP rs2536641173, ClinGen allele CA2740094851.